The following is an entry in ClinVar:

ClinVar aggregate classification (germline): Likely benign (1 of 4 stars; one submission).

Conditions:
Neurodevelopmental disorder with microcephaly and dysmorphic facies. Also called: Nabais Sa-de Vries syndrome, type 1. Identifiers: Orphanet 662179, MedGen C5394218, MONDO:0032942, OMIM 618828.

Submission:

Laboratory of Medical Genetics, National & Kapodistrian University of Athens
Classification: Likely benign for Neurodevelopmental disorder with microcephaly and dysmorphic facies. Last evaluated: 2022-01-18. Review status: criteria provided, single submitter. Criteria: ACMG Guidelines, 2015. Collection method: clinical testing. Allele origin: maternal. Affected: yes.
Comment: PVS1, PM2, BS2

NM_001007228.2(SPOP):c.1015A>T (p.Lys339Ter)

Gene: SPOP (speckle type BTB/POZ protein; minus strand). Cytogenetic location: 17q21.33.
Variant type: single nucleotide variant.
Coding change: c.1015A>T on transcript NM_001007228.2 (MANE Select); coding-DNA position 1015, A replaced by T.
Protein change: p.Lys339Ter; replaces lysine 339 with a stop codon.
Molecular consequence: nonsense.
Genome position (GRCh38, 1-based): chr17:49,600,488, T>A on the plus strand (A>T on the coding strand, the complement: SPOP is on the minus strand). VCF-style: chr17-49600488-T-A. GRCh37 (hg19) VCF-style: chr17-47677850-T-A.
Other names: c.1015A>T, p.Lys339Ter (NM_001007226.1, NM_001007227.1, NM_001007229.1 and 5 more transcripts); short protein forms K339*.
Identifiers: ClinVar variation 1708091 (VCV001708091.1), dbSNP rs2543773504, ClinGen allele CA400154504.
Genomic context (GRCh38, chr17:49,600,488, plus strand): 5'-CTGAAGCCAGAGAGCGGTATGCCTCAGCCACCAAGTGGGGATGTGACACCACCATTGACT[T>A]CCACCCAGAGGTCTCCAAGACATCCGAAGCATGACTAGGAGAAATGTGGAGAAATGGGTT-3'